The following is an entry in ClinVar:

NM_201525.4(ADGRG1):c.1209G>A (p.Leu403=)

Gene: ADGRG1 (adhesion G protein-coupled receptor G1; plus strand). Cytogenetic location: 16q21.
Variant type: single nucleotide variant.
Coding change: c.1209G>A on transcript NM_201525.4 (MANE Select); coding-DNA position 1209, G replaced by A.
Protein change: p.Leu403=; no amino-acid change (leucine 403 retained).
Molecular consequence: synonymous variant.
Genome position (GRCh38, 1-based): chr16:57,657,414, G>A. VCF-style: chr16-57657414-G-A. GRCh37 (hg19) VCF-style: chr16-57691326-G-A.
Other names: c.1209G>A (NM_005682.6); c.1209G>A, p.Leu403= (NM_001145770.3, NM_001145771.3, NM_001145772.3 and 14 more transcripts); c.1224G>A, p.Leu408= (NM_001145773.3, NM_001370433.1); c.699G>A, p.Leu233= (NM_001290142.2); c.684G>A, p.Leu228= (NM_001290143.2, NM_001290144.2, NM_001370451.1 and 2 more transcripts); c.1206G>A, p.Leu402= (NM_001370434.1, NM_001370441.1); c.1053G>A, p.Leu351= (NM_001370442.1).
Identifiers: ClinVar variation 1138720 (VCV001138720.11), dbSNP rs764895566, ClinGen allele CA8078687.
Genomic context (GRCh38, chr16:57,657,414, plus strand): 5'-TCCTGTCTCCTGGGGCCAGGTCTCCTCGGTGGAGGTGGACGCCGTGCACAAGCACTACCT[G>A]AGCCTCCTCTCCTACGTGGGCTGTGTCGTCTCTGCCCTGGCCTGCCTTGTCACCATTGCC-3'
Protein context (NP_958933.1, residues 393-413): VEVDAVHKHY[Leu403=]SLLSYVGCVV

ClinVar aggregate classification (germline): Likely benign. Review status: criteria provided, single submitter (1 of 4 stars). 2 submissions from 2 submitters: Likely benign (1). 1 of the submissions does not count toward it. Last evaluated 2026-01-24.

Conditions:
ADGRG1-related disorder. Also called: ADGRG1-related condition.

Allele frequency attached by ClinVar (database versions not stated): gnomAD exomes 0.00001 and 0.00003; TOPMed 0.00001; ExAC 0.00002.
gnomAD v4.1: 9 of 1,614,154 alleles (0.00056%); highest among the groups gnomAD compares: East Asian, 0.02%; no homozygotes.

Submissions (2):

Labcorp Genetics (formerly Invitae), Labcorp
Classification: Likely benign. Last evaluated: 2026-01-24. Review status: criteria provided, single submitter. Criteria: Invitae Variant Classification Sherloc (09022015). Collection method: clinical testing. Allele origin: germline.

PreventionGenetics, part of Exact Sciences
Classification: Likely benign for ADGRG1-related condition. Last evaluated: 2019-08-22. Review status: no assertion criteria provided. Collection method: clinical testing. Allele origin: germline. Not counted in ClinVar's aggregate classification.
Comment: This variant is classified as likely benign based on ACMG/AMP sequence variant interpretation guidelines (Richards et al. 2015 PMID: 25741868, with internal and published modifications).